The following is an entry in ClinVar:

NM_022124.6(CDH23):c.5816G>T (p.Arg1939Met)

Gene: CDH23 (cadherin related 23; plus strand). Cytogenetic location: 10q22.1.
Variant type: single nucleotide variant.
Coding change: c.5816G>T on transcript NM_022124.6 (MANE Select); coding-DNA position 5816, G replaced by T.
Protein change: p.Arg1939Met; replaces arginine 1939 with methionine.
Molecular consequence: missense variant.
Genome position (GRCh38, 1-based): chr10:71,785,734, G>T. VCF-style: chr10-71785734-G-T. GRCh37 (hg19) VCF-style: chr10-73545491-G-T.
Other names: short protein forms R1939M.
Identifiers: ClinVar variation 3601443 (VCV003601443.1).

ClinVar aggregate classification (germline): Likely pathogenic (1 of 4 stars; one submission).

Conditions:
Autosomal recessive nonsyndromic hearing loss 12. Also called: DEAFNESS, AUTOSOMAL RECESSIVE 12. Identifiers: Orphanet 90636, MedGen C1832394, MONDO:0011067, OMIM 601386.

Submission:

Institute of Rare Diseases, West China Hospital, Sichuan University
Classification: Likely pathogenic for Autosomal recessive nonsyndromic hearing loss 12. Last evaluated: 2025-01-09. Review status: criteria provided, single submitter. Criteria: ClinGen HL ACMG Specifications v1. Collection method: research. Allele origin: germline. Affected: yes.
Comment: PM3;PM5;PP1;PM2_Supporting;PP3